The following is an entry in ClinVar:

ClinVar aggregate classification (germline): Likely benign. Review status: criteria provided, single submitter (1 of 4 stars). 2 submissions from 2 submitters: Likely benign (1). 1 of the submissions does not count toward it. Last evaluated 2018-01-13.

Conditions:
LDHB-related disorder. Also called: LDHB-related condition.
Glycogen storage disease due to lactate dehydrogenase H-subunit deficiency. Identifiers: Orphanet 284435, MedGen C3279904, MONDO:0013587, OMIM 614128.

Allele frequency attached by ClinVar (database versions not stated): 1000 Genomes Project 0.00120; 1000 Genomes Project 30x 0.00141; gnomAD 0.00002 and 0.00017; TOPMed 0.00006; gnomAD exomes 0.00043 and 0.00091; ExAC 0.00101.
gnomAD v4.1: 653 of 1,612,700 alleles (0.04%); highest among the groups gnomAD compares: South Asian, 0.66%; 6 homozygotes.

Submissions (2):

Illumina Laboratory Services, Illumina
Classification: Likely benign for Glycogen storage disease due to lactate dehydrogenase H-subunit deficiency. Last evaluated: 2018-01-13. Review status: criteria provided, single submitter. Criteria: ICSL Variant Classification Criteria 13 December 2019. Collection method: clinical testing. Allele origin: germline.
Comment: This variant was observed in the ICSL laboratory as part of a predisposition screen in an ostensibly healthy population. It had not been previously curated by ICSL or reported in the Human Gene Mutation Database (HGMD: prior to June 1st, 2018), and was therefore a candidate for classification through an automated scoring system. Utilizing variant allele frequency, disease prevalence and penetrance estimates, and inheritance mode, an automated score was calculated to assess if this variant is too frequent to cause the disease. Based on the score and internal cut-off values, a variant classified as likely benign is not then subjected to further curation. The score for this variant resulted in a classification of likely benign for this disease.

PreventionGenetics, part of Exact Sciences
Classification: Likely benign for LDHB-related condition. Last evaluated: 2020-08-31. Review status: no assertion criteria provided. Collection method: clinical testing. Allele origin: germline. Not counted in ClinVar's aggregate classification.
Comment: This variant is classified as likely benign based on ACMG/AMP sequence variant interpretation guidelines (Richards et al. 2015 PMID: 25741868, with internal and published modifications).

NM_002300.8(LDHB):c.472C>T (p.Arg158Cys)

Gene: LDHB (lactate dehydrogenase B; minus strand). Cytogenetic location: 12p12.1.
Variant type: single nucleotide variant.
Coding change: c.472C>T on transcript NM_002300.8 (MANE Select); coding-DNA position 472, C replaced by T.
Protein change: p.Arg158Cys; replaces arginine 158 with cysteine.
Molecular consequence: missense variant.
Genome position (GRCh38, 1-based): chr12:21,642,075, G>A on the plus strand (C>T on the coding strand, the complement: LDHB is on the minus strand). VCF-style: chr12-21642075-G-A. GRCh37 (hg19) VCF-style: chr12-21795009-G-A.
Other names: c.472C>T (NM_002300.7); c.472C>T, p.Arg158Cys (NM_001174097.3, NM_001315537.2); short protein forms R158C.
Identifiers: ClinVar variation 308023 (VCV000308023.7), dbSNP rs532712842, ClinGen allele CA6480466.